The following is an entry in ClinVar:

NM_001111.5(ADAR):c.2960G>A (p.Arg987His)

Gene: ADAR (adenosine deaminase RNA specific; minus strand). Cytogenetic location: 1q21.3.
Variant type: single nucleotide variant.
Coding change: c.2960G>A on transcript NM_001111.5 (MANE Select); coding-DNA position 2960, G replaced by A.
Protein change: p.Arg987His; replaces arginine 987 with histidine.
Molecular consequence: missense variant.
Genome position (GRCh38, 1-based): chr1:154,588,184, C>T on the plus strand (G>A on the coding strand, the complement: ADAR is on the minus strand). VCF-style: chr1-154588184-C-T. GRCh37 (hg19) VCF-style: chr1-154560660-C-T.
Other names: c.2960G>A (NM_001111.4); c.2075G>A, p.Arg692His (NM_001025107.3, NM_001193495.2, NM_001365046.1 and 2 more transcripts); c.2987G>A, p.Arg996His (NM_001365045.1); c.1997G>A, p.Arg666His (NM_001365049.1); c.2882G>A, p.Arg961His (NM_015840.4); c.2825G>A, p.Arg942His (NM_015841.4); short protein forms R942H, R987H, R961H, R666H, R692H, R996H.
Identifiers: ClinVar variation 1494864 (VCV001494864.11), dbSNP rs760200045, ClinGen allele CA1131093.

ClinVar aggregate classification (germline): Uncertain significance. Review status: criteria provided, multiple submitters, no conflicts (2 of 4 stars). 4 submissions from 4 submitters: Uncertain significance (4). Last evaluated 2024-10-09.

Conditions:
Inborn genetic diseases. Identifiers: MedGen C0950123, MeSH D030342.
Aicardi-Goutieres syndrome 6 (AGS6). Identifiers: Orphanet 51, MedGen C3539013, MONDO:0014007, OMIM 615010.
Symmetrical dyschromatosis of extremities (DSH). Also called: DYSCHROMATOSIS SYMMETRICA HEREDITARIA 1; RETICULATE ACROPIGMENTATION OF DOHI; SYMMETRIC DYSCHROMATOSIS OF THE EXTREMITIES; Dyschromatosis symmetrica hereditaria. Identifiers: Orphanet 41, MedGen C0406775, MONDO:0007483, OMIM 127400.

Allele frequency attached by ClinVar (database versions not stated): gnomAD 0.00001; gnomAD exomes 0.00001 and 0.00002; ExAC 0.00003; TOPMed 0.00003.
gnomAD v4.1: 18 of 1,613,908 alleles (0.0011%); highest among the groups gnomAD compares: Non-Finnish European, 0.0014%; no homozygotes.

Submissions (4):

GeneDx
Classification: Uncertain significance. Last evaluated: 2024-10-09. Review status: criteria provided, single submitter. Criteria: GeneDx Variant Classification Process June 2021. Collection method: clinical testing. Allele origin: germline. Affected: yes.
Comment: In silico analysis indicates that this missense variant does not alter protein structure/function; Has not been previously published as pathogenic or benign to our knowledge

Labcorp Genetics (formerly Invitae), Labcorp
Classification: Uncertain significance for Aicardi-Goutieres syndrome 6; Symmetrical dyschromatosis of extremities. Last evaluated: 2024-04-11. Review status: criteria provided, single submitter. Criteria: Invitae Variant Classification Sherloc (09022015). Collection method: clinical testing. Allele origin: germline.
Comment: This sequence change replaces arginine, which is basic and polar, with histidine, which is basic and polar, at codon 987 of the ADAR protein (p.Arg987His). This variant is present in population databases (rs760200045, gnomAD 0.02%). This variant has not been reported in the literature in individuals affected with ADAR-related conditions. ClinVar contains an entry for this variant (Variation ID: 1494864). Advanced modeling of protein sequence and biophysical properties (such as structural, functional, and spatial information, amino acid conservation, physicochemical variation, residue mobility, and thermodynamic stability) performed at Invitae indicates that this missense variant is not expected to disrupt ADAR protein function with a negative predictive value of 80%. In summary, the available evidence is currently insufficient to determine the role of this variant in disease. Therefore, it has been classified as a Variant of Uncertain Significance.

Genome-Nilou Lab
Classification: Uncertain significance for Aicardi-Goutieres syndrome 6. Last evaluated: 2023-04-11. Review status: criteria provided, single submitter. Criteria: ACMG Guidelines, 2015. Collection method: clinical testing. Allele origin: germline. Affected: no.

Ambry Genetics
Classification: Uncertain significance for Inborn genetic diseases. Last evaluated: 2022-06-01. Review status: criteria provided, single submitter. Criteria: Ambry Variant Classification Scheme 2023. Collection method: clinical testing. Allele origin: germline.